The following is an entry in ClinVar:

ClinVar aggregate classification (germline): Benign. Review status: criteria provided, multiple submitters, no conflicts (2 of 4 stars). 11 submissions from 11 submitters: Benign (8). 3 of the submissions do not count toward it. Last evaluated 2026-02-04.

Conditions:
Cardiovascular phenotype. Identifiers: MedGen CN230736.
Hereditary cancer-predisposing syndrome. Also called: Tumor predisposition; Neoplastic Syndromes, Hereditary; Hereditary neoplastic syndrome; Hereditary Cancer Syndrome. Identifiers: Orphanet 140162, MedGen C0027672, MeSH D009386, MONDO:0015356.

Allele frequency attached by ClinVar (database versions not stated): ESP Exome Variant Server 0.26234; gnomAD 0.26457 and 0.26685; gnomAD exomes 0.26752 and 0.28597; TOPMed 0.27207; 1000 Genomes Project 30x 0.28420; ExAC 0.28495; 1000 Genomes Project 0.28514.
gnomAD v4.1: 431,256 of 1,612,828 alleles (27%); highest among the groups gnomAD compares: Admixed American, 38%; 59,450 homozygotes.

Submissions (11):

Labcorp Genetics (formerly Invitae), Labcorp
Classification: Benign. Last evaluated: 2026-02-04. Review status: criteria provided, single submitter. Criteria: Invitae Variant Classification Sherloc (09022015). Collection method: clinical testing. Allele origin: germline.

Blueprint Genetics
Classification: Benign. Last evaluated: 2024-11-28. Review status: criteria provided, single submitter. Criteria: ACMG Guidelines, 2015. Collection method: clinical testing. Allele origin: germline.

Mayo Clinic Laboratories, Mayo Clinic
Classification: Benign. Last evaluated: 2022-04-26. Review status: criteria provided, single submitter. Criteria: ACMG Guidelines, 2015. Collection method: clinical testing. Allele origin: germline. Observed: 628 variant alleles.

Ambry Genetics
Classification: Benign for Cardiovascular phenotype; Hereditary cancer-predisposing syndrome. Last evaluated: 2020-08-28. Review status: criteria provided, single submitter. Criteria: Ambry Variant Classification Scheme 2023. Collection method: clinical testing. Allele origin: germline.

Women's Health and Genetics/Laboratory Corporation of America, LabCorp
Classification: Benign. Last evaluated: 2019-08-09. Review status: criteria provided, single submitter. Criteria: LabCorp Variant Classification Summary - May 2015. Collection method: clinical testing. Allele origin: germline.

Laboratory for Molecular Medicine, Mass General Brigham Personalized Medicine
Classification: Benign. Last evaluated: 2018-12-28. Review status: criteria provided, single submitter. Criteria: LMM Criteria. Collection method: clinical testing. Allele origin: germline. Observed: 6 variant alleles.
Comment: p.Lys70Lys in exon 2 of LZTR1: This variant is not expected to have clinical significance because it does not alter an amino acid residue, is not located within the splice consensus sequence, and has been identified in 42.81% (4951/11564) of Latino chromosomes by the Exome Aggregation Consortium (ExAC; dbSNP rs13054014).

GeneDx
Classification: Benign. Last evaluated: 2016-09-28. Review status: criteria provided, single submitter. Criteria: GeneDx Variant Classification (06012015). Collection method: clinical testing. Allele origin: germline. Affected: yes.
Comment: This variant is considered likely benign or benign based on one or more of the following criteria: it is a conservative change, it occurs at a poorly conserved position in the protein, it is predicted to be benign by multiple in silico algorithms, and/or has population frequency not consistent with disease.

Breakthrough Genomics
Classification: Benign. Review status: criteria provided, single submitter. Criteria: ACMG Guidelines, 2015. Collection method: not provided. Allele origin: germline. Inheritance: Autosomal recessive inheritance. Affected: yes.

Clinical Genetics DNA and cytogenetics Diagnostics Lab, Erasmus MC, Erasmus Medical Center
Classification: Benign. Review status: no assertion criteria provided. Collection method: clinical testing. Allele origin: germline. Affected: yes. Study: VKGL Data-share Consensus. Not counted in ClinVar's aggregate classification.

Clinical Genetics, Academic Medical Center
Classification: Benign. Review status: no assertion criteria provided. Collection method: clinical testing. Allele origin: germline. Affected: yes. Study: VKGL Data-share Consensus. Not counted in ClinVar's aggregate classification.

Joint Genome Diagnostic Labs from Nijmegen and Maastricht, Radboudumc and MUMC+
Classification: Benign. Review status: no assertion criteria provided. Collection method: clinical testing. Allele origin: germline. Affected: yes. Study: VKGL Data-share Consensus. Not counted in ClinVar's aggregate classification.

NM_006767.4(LZTR1):c.210G>A (p.Lys70=)

Gene: LZTR1 (leucine zipper like post translational regulator 1; plus strand). Cytogenetic location: 22q11.21.
Variant type: single nucleotide variant.
Coding change: c.210G>A on transcript NM_006767.4 (MANE Select); coding-DNA position 210, G replaced by A.
Protein change: p.Lys70=; no amino-acid change (lysine 70 retained).
Molecular consequence: synonymous variant.
Genome position (GRCh38, 1-based): chr22:20,983,036, G>A. VCF-style: chr22-20983036-G-A. GRCh37 (hg19) VCF-style: chr22-21337325-G-A.
Other names: p.Lys70=.
Identifiers: ClinVar variation 379392 (VCV000379392.26), dbSNP rs13054014, ClinGen allele CA10118311.
Genomic context (GRCh38, chr22:20,983,036, plus strand): 5'-TGCCCCCCAGGAGGGTCCTGTCCTTACCGCCCTCCACTCCTTTCTTTCCAGGCGCAGCAA[G>A]CACACAGTGGTGGCCTATAAAGATGCCATTTATGTATTTGGTGGAGACAATGGGTGAGTG-3'
Protein context (NP_006758.2, residues 60-80): CDEFVGARRS[Lys70=]HTVVAYKDAI